The following is an entry in ClinVar:

NM_133433.4(NIPBL):c.5011-13A>G

Gene: NIPBL (NIPBL cohesin loading factor; plus strand). Cytogenetic location: 5p13.2.
Variant type: single nucleotide variant.
Coding change: c.5011-13A>G on transcript NM_133433.4 (MANE Select); 13 bases into the intron before coding-DNA position 5011, A replaced by G.
Molecular consequence: intron variant.
Genome position (GRCh38, 1-based): chr5:37,020,446, A>G. VCF-style: chr5-37020446-A-G. GRCh37 (hg19) VCF-style: chr5-37020548-A-G.
Other names: c.5011-13A>G (NM_015384.5).
Identifiers: ClinVar variation 906610 (VCV000906610.12), dbSNP rs13177643, ClinGen allele CA3236688.

ClinVar aggregate classification (germline): Benign/Likely benign. Review status: criteria provided, multiple submitters, no conflicts (2 of 4 stars). 3 submissions from 3 submitters: Benign (1); Likely benign (2). Last evaluated 2025-10-16.

Conditions:
Cornelia de Lange syndrome 1 (CDLS1). Also called: TYPUS DEGENERATIVUS AMSTELODAMENSIS; NIPBL-Related Cornelia de Lange Syndrome; Brachmann de Lange syndrome. Identifiers: Orphanet 199, MedGen C4551851, MONDO:0007387, OMIM 122470.

Allele frequency attached by ClinVar (database versions not stated): gnomAD exomes 0.00034; gnomAD 0.00036 and 0.00038; ESP Exome Variant Server 0.00038; ExAC 0.00042; TOPMed 0.00044.
gnomAD v4.1: 853 of 1,574,590 alleles (0.054%); highest among the groups gnomAD compares: Non-Finnish European, 0.071%; no homozygotes.

Submissions (3):

Labcorp Genetics (formerly Invitae), Labcorp
Classification: Benign for Cornelia de Lange syndrome 1. Last evaluated: 2025-10-16. Review status: criteria provided, single submitter. Criteria: Invitae Variant Classification Sherloc (09022015). Collection method: clinical testing. Allele origin: germline.

Blueprint Genetics
Classification: Likely benign. Last evaluated: 2024-11-06. Review status: criteria provided, single submitter. Criteria: ACMG Guidelines, 2015. Collection method: clinical testing. Allele origin: germline.

Illumina Laboratory Services, Illumina
Classification: Likely benign for Cornelia de Lange syndrome 1. Last evaluated: 2018-01-13. Review status: criteria provided, single submitter. Criteria: ICSL Variant Classification Criteria 13 December 2019. Collection method: clinical testing. Allele origin: germline.
Comment: This variant was observed in the ICSL laboratory as part of a predisposition screen in an ostensibly healthy population. It had not been previously curated by ICSL or reported in the Human Gene Mutation Database (HGMD: prior to June 1st, 2018), and was therefore a candidate for classification through an automated scoring system. Utilizing variant allele frequency, disease prevalence and penetrance estimates, and inheritance mode, an automated score was calculated to assess if this variant is too frequent to cause the disease. Based on the score and internal cut-off values, a variant classified as likely benign is not then subjected to further curation. The score for this variant resulted in a classification of likely benign for this disease.